The following is an entry in ClinVar:

ClinVar aggregate classification (germline): Uncertain significance. Review status: criteria provided, multiple submitters, no conflicts (2 of 4 stars). 2 submissions from 2 submitters: Uncertain significance (2). Last evaluated 2025-10-21.

gnomAD v4.1: 5 of 1,613,820 alleles (0.00031%); highest among the groups gnomAD compares: Admixed American, 0.0017%; no homozygotes.

Submissions (2):

Labcorp Genetics (formerly Invitae), Labcorp
Classification: Uncertain significance. Last evaluated: 2025-10-21. Review status: criteria provided, single submitter. Criteria: Invitae Variant Classification Sherloc (09022015). Collection method: clinical testing. Allele origin: germline.
Comment: This sequence change replaces threonine, which is neutral and polar, with arginine, which is basic and polar, at codon 9 of the SPP2 protein (p.Thr9Arg). This variant is not present in population databases (gnomAD no frequency). This variant has not been reported in the literature in individuals affected with SPP2-related conditions. ClinVar contains an entry for this variant (Variation ID: 2994475). An algorithm developed to predict the effect of missense changes on protein structure and function (PolyPhen-2) suggests that this variant is likely to be tolerated. In summary, the available evidence is currently insufficient to determine the role of this variant in disease. Therefore, it has been classified as a Variant of Uncertain Significance.

Ambry Genetics
Classification: Uncertain significance. Last evaluated: 2024-06-17. Review status: criteria provided, single submitter. Criteria: Ambry Variant Classification Scheme 2023. Collection method: clinical testing. Allele origin: germline.

NM_006944.3(SPP2):c.26C>G (p.Thr9Arg)

Gene: SPP2 (secreted phosphoprotein 2; plus strand). Cytogenetic location: 2q37.1.
Variant type: single nucleotide variant.
Coding change: c.26C>G on transcript NM_006944.3 (MANE Select); coding-DNA position 26, C replaced by G.
Protein change: p.Thr9Arg; replaces threonine 9 with arginine.
Molecular consequence: missense variant.
Genome position (GRCh38, 1-based): chr2:234,050,812, C>G. VCF-style: chr2-234050812-C-G. GRCh37 (hg19) VCF-style: chr2-234959456-C-G.
Other names: c.26C>G (NM_006944.2); short protein forms T9R.
Identifiers: ClinVar variation 2994475 (VCV002994475.4), dbSNP rs145529777, ClinGen allele CA67654030.